The following is an entry in ClinVar:

NM_001994.3(F13B):c.1700G>C (p.Cys567Ser)

Gene: F13B (coagulation factor XIII B chain; minus strand). Cytogenetic location: 1q31.3.
Variant type: single nucleotide variant.
Coding change: c.1700G>C on transcript NM_001994.3 (MANE Select); coding-DNA position 1700, G replaced by C.
Protein change: p.Cys567Ser; replaces cysteine 567 with serine.
Molecular consequence: missense variant.
Genome position (GRCh38, 1-based): chr1:197,050,735, C>G on the plus strand (G>C on the coding strand, the complement: F13B is on the minus strand). VCF-style: chr1-197050735-C-G. GRCh37 (hg19) VCF-style: chr1-197019865-C-G.
Other names: short protein forms C567S.
Identifiers: ClinVar variation 2572138 (VCV002572138.1), dbSNP rs779125550, ClinGen allele CA343997407.
Genomic context (GRCh38, chr1:197,050,735, plus strand): 5'-AGGCATATTTAGTAGTACATACCTAAACACAATGGTGGTGTAGTCCACATTCCATCTAAA[C>G]AATAGGCCTCCCTAGATCCTTCTAGGAAATGGTGATCAAAACATCTGTATTCTACTGAAG-3'
Protein context (NP_001985.2, residues 557-577): HFLEGSREAY[Cys567Ser]LDGMWTTPPL

ClinVar aggregate classification (germline): Uncertain significance (1 of 4 stars; one submission).

Conditions:
Thrombus. Identifiers: MedGen C0087086, MeSH D013927.

Submission:

ISTH-SSC Genomics in Thrombosis and Hemostasis, KU Leuven, Center for Molecular and Vascular Biology
Classification: Uncertain significance for Thrombus. Review status: criteria provided, single submitter. Criteria: ACMG Guidelines, 2015. Collection method: clinical testing. Allele origin: germline. Affected: yes. Observed: 1 heterozygote.
Comment: Submitted to the GoldVariant database by Kathleen Freson, Center for Molecular and Vascular Biology